The following is an entry in ClinVar:

NM_015338.6(ASXL1):c.2251G>T (p.Val751Phe)

Gene: ASXL1 (ASXL transcriptional regulator 1; plus strand). Cytogenetic location: 20q11.21.
Variant type: single nucleotide variant.
Coding change: c.2251G>T on transcript NM_015338.6 (MANE Select); coding-DNA position 2251, G replaced by T.
Protein change: p.Val751Phe; replaces valine 751 with phenylalanine.
Molecular consequence: missense variant.
Genome position (GRCh38, 1-based): chr20:32,434,963, G>T. VCF-style: chr20-32434963-G-T. GRCh37 (hg19) VCF-style: chr20-31022766-G-T.
Other names: c.2068G>T, p.Val690Phe (NM_001363734.1); short protein forms V690F, V751F.
Identifiers: ClinVar variation 3008480 (VCV003008480.3), dbSNP rs6058693, ClinGen allele CA9808579.

ClinVar aggregate classification (germline): Uncertain significance (1 of 4 stars; one submission).

gnomAD v4.1: 14 of 1,613,960 alleles (0.00087%); highest among the groups gnomAD compares: South Asian, 0.012%; no homozygotes.

Submission:

Labcorp Genetics (formerly Invitae), Labcorp
Classification: Uncertain significance. Last evaluated: 2023-06-04. Review status: criteria provided, single submitter. Criteria: Invitae Variant Classification Sherloc (09022015). Collection method: clinical testing. Allele origin: germline.
Comment: This sequence change replaces valine, which is neutral and non-polar, with phenylalanine, which is neutral and non-polar, at codon 751 of the ASXL1 protein (p.Val751Phe). This variant is present in population databases (rs6058693, gnomAD 0.02%). This variant has not been reported in the literature in individuals affected with ASXL1-related conditions. An algorithm developed to predict the effect of missense changes on protein structure and function (PolyPhen-2) suggests that this variant is likely to be tolerated. In summary, the available evidence is currently insufficient to determine the role of this variant in disease. Therefore, it has been classified as a Variant of Uncertain Significance.